The following is an entry in ClinVar:

NM_000094.4(COL7A1):c.3786+6T>C

Gene: COL7A1 (collagen type VII alpha 1 chain; minus strand). Cytogenetic location: 3p21.31.
Variant type: single nucleotide variant.
Coding change: c.3786+6T>C on transcript NM_000094.4 (MANE Select); 6 bases into the intron after coding-DNA position 3786, T replaced by C.
Molecular consequence: intron variant.
Genome position (GRCh38, 1-based): chr3:48,585,824, A>G on the plus strand (T>C on the coding strand, the complement: COL7A1 is on the minus strand). VCF-style: chr3-48585824-A-G. GRCh37 (hg19) VCF-style: chr3-48623257-A-G.
Identifiers: ClinVar variation 1937552 (VCV001937552.3), dbSNP rs756349604, ClinGen allele CA543045948.

ClinVar aggregate classification (germline): Uncertain significance (1 of 4 stars; one submission).

gnomAD v4.1: 6 of 1,614,020 alleles (0.00037%); highest among the groups gnomAD compares: South Asian, 0.0044%; no homozygotes.

Submission:

Labcorp Genetics (formerly Invitae), Labcorp
Classification: Uncertain significance. Last evaluated: 2025-07-07. Review status: criteria provided, single submitter. Criteria: Invitae Variant Classification Sherloc (09022015). Collection method: clinical testing. Allele origin: germline.
Comment: This sequence change falls in intron 29 of the COL7A1 gene. It does not directly change the encoded amino acid sequence of the COL7A1 protein. It affects a nucleotide within the consensus splice site. This variant is present in population databases (no rsID available, gnomAD 0.003%). This variant has not been reported in the literature in individuals affected with COL7A1-related conditions. ClinVar contains an entry for this variant (Variation ID: 1937552). Variants that disrupt the consensus splice site are a relatively common cause of aberrant splicing (PMID: 17576681, 9536098). Algorithms developed to predict the effect of sequence changes on RNA splicing suggest that this variant is not likely to affect RNA splicing. In summary, the available evidence is currently insufficient to determine the role of this variant in disease. Therefore, it has been classified as a Variant of Uncertain Significance.

Literature cited by the submitters: PubMed 17576681; PubMed 9536098.